The following is an entry in ClinVar:

NM_020975.6(RET):c.664G>T (p.Glu222Ter)

Gene: RET (ret proto-oncogene; plus strand). Cytogenetic location: 10q11.21.
Variant type: single nucleotide variant.
Coding change: c.664G>T on transcript NM_020975.6 (MANE Select); coding-DNA position 664, G replaced by T.
Protein change: p.Glu222Ter; replaces glutamic acid 222 with a stop codon.
Molecular consequence: nonsense. On other transcripts: 5 prime UTR variant (1), intron variant (22).
Genome position (GRCh38, 1-based): chr10:43,104,990, G>T. VCF-style: chr10-43104990-G-T. GRCh37 (hg19) VCF-style: chr10-43600438-G-T.
Other names: c.664G>T, p.Glu222Ter (NM_000323.2, NM_001406743.1, NM_001406744.1 and 8 more transcripts); c.-99G>T (NM_001355216.2); c.535G>T, p.Glu179Ter (NM_001406761.1, NM_001406762.1, NM_001406764.1 and 2 more transcripts); c.376G>T, p.Glu126Ter (NM_001406766.1, NM_001406767.1, NM_001406770.1); c.625+2361G>T (NM_001406773.1, NM_001406771.1, NM_001406782.1 and 5 more transcripts); c.496+2361G>T (NM_001406786.1, NM_001406783.1); c.338-4041G>T (NM_001406778.1, NM_001406775.1, NM_001406776.1 and 1 more transcripts); c.337+4268G>T (NM_001406790.1, NM_001406788.1, NM_001406789.1 and 1 more transcripts); and 2 more; short protein forms E126*, E179*, E222*.
Identifiers: ClinVar variation 2633813 (VCV002633813.1), dbSNP rs1837729713, ClinGen allele CA376544428.
Genomic context (GRCh38, chr10:43,104,990, plus strand): 5'-CCCCTGTCTGCTTGGTGCGCAGGTGAGGGTCTGCCCTTCCGCTGCGCCCCGGACAGCCTG[G>T]AGGTGAGCACGCGCTGGGCCCTGGACCGCGAGCAGCGGGAGAAGTACGAGCTGGTGGCCG-3'

ClinVar aggregate classification (germline): Likely pathogenic (1 of 4 stars; one submission).

Conditions:
RET-related disorder. Also called: RET-related disorders; RET-related condition; RET-related disease.

Submission:

PreventionGenetics, part of Exact Sciences
Classification: Likely pathogenic for RET-related condition. Last evaluated: 2023-04-03. Review status: criteria provided, single submitter. Criteria: ACMG Guidelines, 2015. Collection method: clinical testing. Allele origin: germline.
Comment: The RET c.664G>T variant is predicted to result in premature protein termination (p.Glu222*). To our knowledge, this variant has not been reported in the literature or in a large population database, indicating this variant is rare. Nonsense variants in RET are expected to be pathogenic. This variant is interpreted as likely pathogenic.